The following is an entry in ClinVar:

ClinVar aggregate classification (germline): Uncertain significance (1 of 4 stars; one submission).

Submission:

Labcorp Genetics (formerly Invitae), Labcorp
Classification: Uncertain significance. Last evaluated: 2025-05-19. Review status: criteria provided, single submitter. Criteria: Invitae Variant Classification Sherloc (09022015). Collection method: clinical testing. Allele origin: germline.
Comment: This sequence change replaces aspartic acid, which is acidic and polar, with asparagine, which is neutral and polar, at codon 278 of the WNT4 protein (p.Asp278Asn). This variant is present in population databases (rs750313276, gnomAD 0.04%). This variant has not been reported in the literature in individuals affected with WNT4-related conditions. Invitae Evidence Modeling of protein sequence and biophysical properties (such as structural, functional, and spatial information, amino acid conservation, physicochemical variation, residue mobility, and thermodynamic stability) indicates that this missense variant is not expected to disrupt WNT4 protein function with a negative predictive value of 80%. In summary, the available evidence is currently insufficient to determine the role of this variant in disease. Therefore, it has been classified as a Variant of Uncertain Significance.

NM_030761.5(WNT4):c.832G>A (p.Asp278Asn)

Gene: WNT4 (Wnt family member 4; minus strand). Cytogenetic location: 1p36.12.
Variant type: single nucleotide variant.
Coding change: c.832G>A on transcript NM_030761.5 (MANE Select); coding-DNA position 832, G replaced by A.
Protein change: p.Asp278Asn; replaces aspartic acid 278 with asparagine.
Molecular consequence: missense variant.
Genome position (GRCh38, 1-based): chr1:22,120,274, C>T on the plus strand (G>A on the coding strand, the complement: WNT4 is on the minus strand). VCF-style: chr1-22120274-C-T. GRCh37 (hg19) VCF-style: chr1-22446767-C-T.
Other names: short protein forms D278N.
Identifiers: ClinVar variation 4811827 (VCV004811827.1).
Genomic context (GRCh38, chr1:22,120,274, plus strand): 5'-TGTTGCATGTGCGGCCCCTCGTGCCCAGCACGCCGCTGCGCATGTCCTGCTCACAGAAGT[C>T]GGGGCTAGGCTCCAAGTACACCAGGTCCTCATCTGTGTGCGGCTTGAACTGTGCGTTGCG-3'
Protein context (NP_110388.2, residues 268-288): EDLVYLEPSP[Asp278Asn]FCEQDMRSGV